The following is an entry in ClinVar:

NM_000094.4(COL7A1):c.6265C>G (p.Pro2089Ala)

Gene: COL7A1 (collagen type VII alpha 1 chain; minus strand). Cytogenetic location: 3p21.31.
Variant type: single nucleotide variant.
Coding change: c.6265C>G on transcript NM_000094.4 (MANE Select); coding-DNA position 6265, C replaced by G.
Protein change: p.Pro2089Ala; replaces proline 2089 with alanine.
Molecular consequence: missense variant.
Genome position (GRCh38, 1-based): chr3:48,575,078, G>C on the plus strand (C>G on the coding strand, the complement: COL7A1 is on the minus strand). VCF-style: chr3-48575078-G-C. GRCh37 (hg19) VCF-style: chr3-48612511-G-C.
Other names: short protein forms P2089A.
Identifiers: ClinVar variation 4707811 (VCV004707811.1).

ClinVar aggregate classification (germline): Uncertain significance (1 of 4 stars; one submission).

Submission:

Labcorp Genetics (formerly Invitae), Labcorp
Classification: Uncertain significance. Last evaluated: 2025-07-08. Review status: criteria provided, single submitter. Criteria: Invitae Variant Classification Sherloc (09022015). Collection method: clinical testing. Allele origin: germline.
Comment: This sequence change replaces proline, which is neutral and non-polar, with alanine, which is neutral and non-polar, at codon 2089 of the COL7A1 protein (p.Pro2089Ala). This variant is not present in population databases (gnomAD no frequency). This variant has not been reported in the literature in individuals affected with COL7A1-related conditions. Invitae Evidence Modeling of protein sequence and biophysical properties (such as structural, functional, and spatial information, amino acid conservation, physicochemical variation, residue mobility, and thermodynamic stability) indicates that this missense variant is not expected to disrupt COL7A1 protein function with a negative predictive value of 95%. In summary, the available evidence is currently insufficient to determine the role of this variant in disease. Therefore, it has been classified as a Variant of Uncertain Significance.